The following is an entry in ClinVar:

ClinVar aggregate classification (germline): Uncertain significance (1 of 4 stars; one submission).

Conditions:
Ataxia-telangiectasia syndrome (AT). Also called: Ataxia-telangiectasia, complementation group D; AT, COMPLEMENTATION GROUP C; ATAXIA-TELANGIECTASIA, COMPLEMENTATION GROUP A; ATAXIA-TELANGIECTASIA, FRESNO VARIANT; Ataxia-telangiectasia, complementation group E; LOUIS-BAR SYNDROME. Identifiers: Orphanet 100, MedGen C0004135, MONDO:0008840, OMIM 208900.

Submission:

Labcorp Genetics (formerly Invitae), Labcorp
Classification: Uncertain significance for Ataxia-telangiectasia syndrome. Last evaluated: 2022-07-01. Review status: criteria provided, single submitter. Criteria: Invitae Variant Classification Sherloc (09022015). Collection method: clinical testing. Allele origin: germline.
Comment: In summary, the available evidence is currently insufficient to determine the role of this variant in disease. Therefore, it has been classified as a Variant of Uncertain Significance. Algorithms developed to predict the effect of missense changes on protein structure and function are either unavailable or do not agree on the potential impact of this missense change (SIFT: "Deleterious"; PolyPhen-2: "Possibly Damaging"; Align-GVGD: "Class C0"). This variant has not been reported in the literature in individuals affected with ATM-related conditions. This variant is not present in population databases (gnomAD no frequency). This sequence change replaces glutamic acid, which is acidic and polar, with glutamine, which is neutral and polar, at codon 2468 of the ATM protein (p.Glu2468Gln).

NM_000051.4(ATM):c.7402G>C (p.Glu2468Gln)

Genes: ATM (ATM serine/threonine kinase; plus strand), C11orf65 (chromosome 11 open reading frame 65; minus strand). Cytogenetic location: 11q22.3.
Variant type: single nucleotide variant.
Coding change: c.7402G>C on transcript NM_000051.4 (MANE Select); coding-DNA position 7402, G replaced by C.
Protein change: p.Glu2468Gln; replaces glutamic acid 2468 with glutamine.
Molecular consequence: missense variant. On other transcripts: intron variant (2).
Genome position (GRCh38, 1-based): chr11:108,330,308, G>C. VCF-style: chr11-108330308-G-C. GRCh37 (hg19) VCF-style: chr11-108201035-G-C.
Other names: c.7402G>C, p.Glu2468Gln (NM_001351834.2); c.641-21237C>G (NM_001330368.2); c.*38+4912C>G (NM_001351110.2); short protein forms E2468Q.
Identifiers: ClinVar variation 2012809 (VCV002012809.4), dbSNP rs2547262372, ClinGen allele CA382560108.